The following is an entry in ClinVar:

ClinVar aggregate classification (germline): Uncertain significance. Review status: criteria provided, multiple submitters, no conflicts (2 of 4 stars). 3 submissions from 3 submitters: Uncertain significance (3). Last evaluated 2026-07-20.

Conditions:
Inborn genetic diseases. Identifiers: MedGen C0950123, MeSH D030342.
Leber congenital amaurosis 9 (LCA9). Also called: LCA 9; Amaurosis congenita of Leber, type 9; LCA9 Leber Congenital Amaurosis. Identifiers: Orphanet 65, MedGen C1837873, MONDO:0012056, OMIM 608553.

Allele frequency attached by ClinVar (database versions not stated): ExAC 0.00001; gnomAD exomes 0.00001 and 0.00002; gnomAD 0.00001; TOPMed 0.00001.
gnomAD v4.1: 36 of 1,614,062 alleles (0.0022%); highest among the groups gnomAD compares: Non-Finnish European, 0.0029%; no homozygotes.

Submissions (3):

Ambry Genetics
Classification: Uncertain significance for Inborn genetic diseases. Last evaluated: 2026-07-20. Review status: criteria provided, single submitter. Criteria: Ambry Variant Classification Scheme 2023. Collection method: clinical testing. Allele origin: germline.
Comment: The c.512G>A (p.S171N) alteration is located in exon 5 (coding exon 4) of the NMNAT1 gene. This alteration results from a G to A substitution at nucleotide position 512, causing the serine (S) at amino acid position 171 to be replaced by an asparagine (N). Based on data from gnomAD, the A allele has an overall frequency of 0.001% (2/251454) total alleles studied. The highest observed frequency was 0.002% (2/113742) of European (non-Finnish) alleles. Based on insufficient or conflicting evidence, the clinical significance of this alteration remains unclear.

Labcorp Genetics (formerly Invitae), Labcorp
Classification: Uncertain significance for Leber congenital amaurosis 9. Last evaluated: 2022-07-14. Review status: criteria provided, single submitter. Criteria: Invitae Variant Classification Sherloc (09022015). Collection method: clinical testing. Allele origin: germline.
Comment: This sequence change replaces serine, which is neutral and polar, with asparagine, which is neutral and polar, at codon 171 of the NMNAT1 protein (p.Ser171Asn). This variant is present in population databases (rs769493618, gnomAD 0.002%). This variant has not been reported in the literature in individuals affected with NMNAT1-related conditions. ClinVar contains an entry for this variant (Variation ID: 1011560). Algorithms developed to predict the effect of missense changes on protein structure and function (SIFT, PolyPhen-2, Align-GVGD) all suggest that this variant is likely to be tolerated. In summary, the available evidence is currently insufficient to determine the role of this variant in disease. Therefore, it has been classified as a Variant of Uncertain Significance.

Blueprint Genetics
Classification: Uncertain significance. Last evaluated: 2022-02-23. Review status: criteria provided, single submitter. Criteria: ACMG Guidelines, 2015. Collection method: clinical testing. Allele origin: germline.

NM_022787.4(NMNAT1):c.512G>A (p.Ser171Asn)

Gene: NMNAT1 (nicotinamide nucleotide adenylyltransferase 1; plus strand). Cytogenetic location: 1p36.22.
Variant type: single nucleotide variant.
Coding change: c.512G>A on transcript NM_022787.4 (MANE Select); coding-DNA position 512, G replaced by A.
Protein change: p.Ser171Asn; replaces serine 171 with asparagine.
Molecular consequence: missense variant.
Genome position (GRCh38, 1-based): chr1:9,982,373, G>A. VCF-style: chr1-9982373-G-A. GRCh37 (hg19) VCF-style: chr1-10042431-G-A.
Other names: c.512G>A (NM_022787.3); c.512G>A, p.Ser171Asn (NM_001297778.1); short protein forms S171N.
Identifiers: ClinVar variation 1011560 (VCV001011560.6), dbSNP rs769493618, ClinGen allele CA579272.